The following is an entry in ClinVar:

ClinVar aggregate classification (germline): Likely benign. Review status: criteria provided, multiple submitters, no conflicts (2 of 4 stars). 2 submissions from 2 submitters: Likely benign (2). Last evaluated 2025-08-13.

Allele frequency attached by ClinVar (database versions not stated): gnomAD 0.00003; TOPMed 0.00003; ExAC 0.00012; 1000 Genomes Project 30x 0.00016; 1000 Genomes Project 0.00020.
gnomAD v4.1: 50 of 1,612,078 alleles (0.0031%); highest among the groups gnomAD compares: East Asian, 0.033%; no homozygotes.

Submissions (2):

Ambry Genetics
Classification: Likely benign. Last evaluated: 2025-08-13. Review status: criteria provided, single submitter. Criteria: Ambry Variant Classification Scheme 2023. Collection method: clinical testing. Allele origin: germline.

CeGaT Center for Human Genetics Tuebingen
Classification: Likely benign. Last evaluated: 2024-03-01. Review status: criteria provided, single submitter. Criteria: CeGaT Center For Human Genetics Tuebingen Variant Classification Criteria Version 2. Collection method: clinical testing. Allele origin: germline. Affected: yes. Observed: 1 variant allele.
Comment: CTU2: BP4, BP7

NM_001012759.3(CTU2):c.1527C>T (p.Asp509=)

Gene: CTU2 (cytosolic thiouridylase subunit 2; plus strand). Cytogenetic location: 16q24.3.
Variant type: single nucleotide variant.
Coding change: c.1527C>T on transcript NM_001012759.3 (MANE Select); coding-DNA position 1527, C replaced by T.
Protein change: p.Asp509=; no amino-acid change (aspartic acid 509 retained).
Molecular consequence: synonymous variant. On other transcripts: 3 prime UTR variant (1).
Genome position (GRCh38, 1-based): chr16:88,715,230, C>T. VCF-style: chr16-88715230-C-T. GRCh37 (hg19) VCF-style: chr16-88781638-C-T.
Other names: c.*10C>T (NM_001012762.3); c.1740C>T, p.Asp580= (NM_001318507.2); c.1266C>T, p.Asp422= (NM_001318513.2); c.1527C>T (NM_001012759.1).
Identifiers: ClinVar variation 3025658 (VCV003025658.21), dbSNP rs200135149, ClinGen allele CA8231248.
Genomic context (GRCh38, chr16:88,715,230, plus strand): 5'-CTTTCTCTCTAGGGCCTGGGGCTTGCAGGAGATCCGGGACTGTCTGATTGAGGACAGTGA[C>T]GACGAGGCGGGCCAGAGCTGAGCGTGAGGACGTGCTTGCCGGGACAGCAGGCAGTGGCCA-3'
Protein context (NP_001012777.1, residues 499-515): EIRDCLIEDS[Asp509=]DEAGQS